The following is an entry in ClinVar:

ClinVar aggregate classification (germline): Benign/Likely benign. Review status: criteria provided, multiple submitters, no conflicts (2 of 4 stars). 2 submissions from 2 submitters: Benign (1); Likely benign (1). Last evaluated 2024-12-27.

Conditions:
Hereditary nonpolyposis colorectal neoplasms. Identifiers: MedGen C0009405, MeSH D003123.
Lynch syndrome 5 (LYNCH5). Also called: Colorectal cancer, hereditary nonpolyposis, type 5; Hereditary non-polyposis colorectal cancer, type 5. Identifiers: Orphanet 144, MedGen C1833477, MONDO:0013710, OMIM 614350. Disease mechanism: loss of function.

gnomAD v4.1: 1 of 1,614,194 alleles (0.000062%); highest among the groups gnomAD compares: Non-Finnish European, 0.000085%; no homozygotes.

Submissions (2):

Myriad Genetics, Inc.
Classification: Benign for Lynch syndrome 5. Last evaluated: 2024-12-27. Review status: criteria provided, single submitter. Criteria: Myriad Autosomal Dominant, Autosomal Recessive and X-Linked Classification Criteria (2023). Collection method: clinical testing. Allele origin: unknown.
Comment: This variant is considered benign. This variant is a silent/synonymous amino acid change and it is not expected to impact splicing.

Labcorp Genetics (formerly Invitae), Labcorp
Classification: Likely benign for Hereditary nonpolyposis colorectal neoplasms. Last evaluated: 2024-09-19. Review status: criteria provided, single submitter. Criteria: Invitae Variant Classification Sherloc (09022015). Collection method: clinical testing. Allele origin: germline.

NM_000179.3(MSH6):c.1755A>C (p.Leu585=)

Gene: MSH6 (mutS homolog 6; plus strand). Cytogenetic location: 2p16.3.
Variant type: single nucleotide variant.
Coding change: c.1755A>C on transcript NM_000179.3 (MANE Select); coding-DNA position 1755, A replaced by C.
Protein change: p.Leu585=; no amino-acid change (leucine 585 retained).
Molecular consequence: synonymous variant. On other transcripts: non-coding transcript variant (4), intron variant (2).
Genome position (GRCh38, 1-based): chr2:47,799,738, A>C. VCF-style: chr2-47799738-A-C. GRCh37 (hg19) VCF-style: chr2-48026877-A-C.
Other names: c.1365A>C, p.Leu455= (NM_001281492.2); c.849A>C, p.Leu283= (NM_001281493.2, NM_001281494.2, NM_001406811.1 and 6 more transcripts); c.1851A>C, p.Leu617= (NM_001406795.1, NM_001406802.1); c.1755A>C, p.Leu585= (NM_001406796.1, NM_001406798.1, NM_001406800.1 and 3 more transcripts); c.1458A>C, p.Leu486= (NM_001406797.1, NM_001406801.1, NM_001406805.1 and 10 more transcripts); c.1230A>C, p.Leu410= (NM_001406799.1, NM_001406806.1, NM_001406807.1); c.1677A>C, p.Leu559= (NM_001406804.1); c.1761A>C, p.Leu587= (NM_001406813.1); and 3 more.
Identifiers: ClinVar variation 3696574 (VCV003696574.3).